The following is an entry in ClinVar:

ClinVar aggregate classification (germline): Likely benign. Review status: criteria provided, single submitter (1 of 4 stars). 2 submissions from 2 submitters: Likely benign (1). 1 of the submissions does not count toward it. Last evaluated 2024-04-08.

Conditions:
IQSEC1-related disorder. Also called: IQSEC1-related condition.

Allele frequency attached by ClinVar (database versions not stated): gnomAD exomes below 0.00001; TOPMed below 0.00001; gnomAD 0.00001; ExAC 0.00002.
gnomAD v4.1: 10 of 1,594,102 alleles (0.00063%); highest among the groups gnomAD compares: East Asian, 0.0022%; no homozygotes.

Submissions (2):

Blueprint Genetics
Classification: Likely benign. Last evaluated: 2024-04-08. Review status: criteria provided, single submitter. Criteria: ACMG Guidelines, 2015. Collection method: clinical testing. Allele origin: germline.

PreventionGenetics, part of Exact Sciences
Classification: Likely benign for IQSEC1-related condition. Last evaluated: 2023-08-19. Review status: no assertion criteria provided. Collection method: clinical testing. Allele origin: germline. Not counted in ClinVar's aggregate classification.
Comment: This variant is classified as likely benign based on ACMG/AMP sequence variant interpretation guidelines (Richards et al. 2015 PMID: 25741868, with internal and published modifications).

NM_001134382.3(IQSEC1):c.612C>T (p.Ser204=)

Gene: IQSEC1 (IQ motif and Sec7 domain ArfGEF 1; minus strand). Cytogenetic location: 3p25.2.
Variant type: single nucleotide variant.
Coding change: c.612C>T on transcript NM_001134382.3 (MANE Select); coding-DNA position 612, C replaced by T.
Protein change: p.Ser204=; no amino-acid change (serine 204 retained).
Molecular consequence: synonymous variant.
Genome position (GRCh38, 1-based): chr3:12,936,404, G>A on the plus strand (C>T on the coding strand, the complement: IQSEC1 is on the minus strand). VCF-style: chr3-12936404-G-A. GRCh37 (hg19) VCF-style: chr3-12977904-G-A.
Other names: c.288C>T, p.Ser96= (NM_001330619.3); c.936C>T, p.Ser312= (NM_001376938.2); c.654C>T, p.Ser218= (NM_014869.8).
Identifiers: ClinVar variation 3031101 (VCV003031101.3), dbSNP rs768562160, ClinGen allele CA2262478.